The following is an entry in ClinVar:

NM_001360016.2(G6PD):c.1478_1479insAGGAGGCAGA (p.Asp493fs)

Gene: G6PD (glucose-6-phosphate dehydrogenase; minus strand). Cytogenetic location: Xq28.
Variant type: Insertion.
Coding change: c.1478_1479insAGGAGGCAGA on transcript NM_001360016.2 (MANE Select); coding-DNA positions 1478 to 1479, AGGAGGCAGA inserted.
Protein change: p.Asp493fs; shifts the reading frame from aspartic acid 493.
Molecular consequence: frameshift variant.
Genome position: GRCh38 VCF-style: chrX-154532069-G-GTCTGCCTCCT. GRCh37 (hg19) VCF-style: chrX-153760284-G-GTCTGCCTCCT.
Other names: c.1568_1569insAGGAGGCAGA, p.Asp523fs (NM_000402.4); c.1478_1479insAGGAGGCAGA, p.Asp493fs (NM_001042351.3); short protein forms D493fs, D523fs.
Identifiers: ClinVar variation 1722645 (VCV001722645.2), dbSNP rs1282078643, ClinGen allele CA873340676.

ClinVar aggregate classification (germline): Pathogenic (1 of 4 stars; one submission).

Conditions:
Anemia, nonspherocytic hemolytic, due to G6PD deficiency (CNSHA1). Also called: Hemolytic anemia due to G6PD deficiency; Class I glucose-6-phosphate dehydrogenase deficiency; Favism, susceptibility to; ANEMIA, CONGENITAL, NONSPHEROCYTIC HEMOLYTIC, 1. Identifiers: Orphanet 466026, MedGen C2720289, MONDO:0010480, OMIM 300908.

Submission:

Dunham Lab, University of Washington
Classification: Pathogenic for Anemia, nonspherocytic hemolytic, due to G6PD deficiency. Last evaluated: 2022-08-12. Review status: criteria provided, single submitter. Criteria: Bayesian ACMG Guidelines, 2018. Collection method: curation. Allele origin: unknown.
Comment: Frameshift that introduces stop codon at residue 375 (PVS1). Below expected carrier frequency in gnomAD (PM2). Post_P 0.994 (odds of pathogenicity 1516, Prior_P 0.1).